The following is an entry in ClinVar:

NM_000256.3(MYBPC3):c.3584G>T (p.Gly1195Val)

Gene: MYBPC3 (myosin binding protein C3; minus strand). Cytogenetic location: 11p11.2.
Variant type: single nucleotide variant.
Coding change: c.3584G>T on transcript NM_000256.3 (MANE Select); coding-DNA position 3584, G replaced by T.
Protein change: p.Gly1195Val; replaces glycine 1195 with valine.
Molecular consequence: missense variant.
Genome position (GRCh38, 1-based): chr11:47,332,609, C>A on the plus strand (G>T on the coding strand, the complement: MYBPC3 is on the minus strand). VCF-style: chr11-47332609-C-A. GRCh37 (hg19) VCF-style: chr11-47354160-C-A.
Other names: p.G1195V:GGC>GTC; c.3584G>T, p.Gly1195Val (LRG_386t1); short protein forms G1195V.
Identifiers: ClinVar variation 181013 (VCV000181013.5), dbSNP rs730880595, ClinGen allele CA014378.
Genomic context (GRCh38, chr11:47,332,609, plus strand): 5'-CGCCTAAAGTTCCCTACCTTGGGGCTACCCCGGACAGCACAGCAGAGCATAGCAGTGTAG[C>A]CCGCGATGACCGAGCGGTTCACCAGGGGCTGGGTGAAGCTTGGGGCCTCGGAGAAGTCCA-3'
Protein context (NP_000247.2, residues 1185-1205): QPLVNRSVIA[Gly1195Val]YTAMLCCAVR

ClinVar aggregate classification (germline): Conflicting classifications of pathogenicity. Review status: criteria provided, conflicting classifications (1 of 4 stars). 3 submissions from 3 submitters: Likely pathogenic (1); Uncertain significance (2). Last evaluated 2020-07-21.

Conditions:
Cardiovascular phenotype. Identifiers: MedGen CN230736.

Submissions (3):

Ambry Genetics
Classification: Uncertain significance for Cardiovascular phenotype. Last evaluated: 2020-07-21. Review status: criteria provided, single submitter. Criteria: Ambry Variant Classification Scheme 2023. Collection method: clinical testing. Allele origin: germline.
Comment: The p.G1195V variant (also known as c.3584G>T), located in coding exon 32 of the MYBPC3 gene, results from a G to T substitution at nucleotide position 3584. The glycine at codon 1195 is replaced by valine, an amino acid with dissimilar properties. This variant was detected in individuals with a personal or family history of hypertrophic cardiomyopathy (Brito D et al. Rev Port Cardiol, 2012 Sep;31:577-87; Santos S et al. BMC Med. Genet., 2012 Mar;13:17). This amino acid position is highly conserved in available vertebrate species. In addition, this alteration is predicted to be deleterious by in silico analysis. Since supporting evidence is limited at this time, the clinical significance of this alteration remains unclear.

Stanford Center for Inherited Cardiovascular Disease, Stanford University
Classification: Uncertain significance. Last evaluated: 2014-09-24. Review status: criteria provided, single submitter. Criteria: ACMG Guidelines, 2015. Collection method: provider interpretation. Allele origin: germline.

GeneDx
Classification: Likely pathogenic. Last evaluated: 2014-05-14. Review status: criteria provided, single submitter. Criteria: GeneDx Variant Classification (06012015). Collection method: clinical testing. Allele origin: germline. Affected: yes.
Comment: p.Gly1195Val (GGC>GTC): c.3584 G>T in exon 32 of the MYBPC3 gene (NM_000256.3). The G1195V variant in the MYBPC3 gene has been reported in two patients with HCM and was not reported in at least 400 control alleles (Santos D et al., 2012; Brito D et al., 2012). The G1195V variant was not observed in approximately 6,100 individuals of European and African American ancestry in the NHLBI Exome Sequencing Project, indicating it is not a common benign variant in these populations. Additionally, this substitution occurs at a position that is completely conserved across species. In silico analysis predicts this variant is probably damaging to the protein structure/function. Furthermore, missense mutations in nearby residues (L1187R, V1192D, A1194T, L1200P) have been reported in association with HCM, supporting the functional importance of this region of the protein. However, the G1195V variant is a conservative amino acid substitution, which is not likely to impact secondary protein structure as these residues share similar properties.Therefore, this variant is a strong candidate for a pathogenic mutation, however the possibility that it is a benign variant cannot be excluded. Mutations in the MYBPC3 gene have been reported in 20%-30% of patients with HCM, and have been reported less frequently in patients with autosomal dominant familial dilated cardiomyopathy (DCM) (CirinoAet al., 2011; Hershberger R et al., 2009). The variant is found in HCM panel(s).

Literature cited by the submitters: PubMed 22429680 (cited by Ambry Genetics); PubMed 22857948 (cited by Ambry Genetics).